The following is an entry in ClinVar:

NM_004336.5(BUB1):c.2760A>C (p.Pro920=)

Gene: BUB1 (BUB1 mitotic checkpoint serine/threonine kinase; minus strand). Cytogenetic location: 2q13.
Variant type: single nucleotide variant.
Coding change: c.2760A>C on transcript NM_004336.5 (MANE Select); coding-DNA position 2760, A replaced by C.
Protein change: p.Pro920=; no amino-acid change (proline 920 retained).
Molecular consequence: synonymous variant. On other transcripts: intron variant (1).
Genome position (GRCh38, 1-based): chr2:110,641,330, T>G on the plus strand (A>C on the coding strand, the complement: BUB1 is on the minus strand). VCF-style: chr2-110641330-T-G. GRCh37 (hg19) VCF-style: chr2-111398907-T-G.
Other names: c.2700A>C, p.Pro900= (NM_001278616.2); c.2626-138A>C (NM_001278617.2).
Identifiers: ClinVar variation 1795681 (VCV001795681.5), dbSNP rs140025456, ClinGen allele CA1827733.

ClinVar aggregate classification (germline): Conflicting classifications of pathogenicity. Review status: criteria provided, conflicting classifications (1 of 4 stars). 2 submissions from 2 submitters: Uncertain significance (1); Likely benign (1). Last evaluated 2024-08-13.

Allele frequency attached by ClinVar (database versions not stated): gnomAD exomes 0.00001; ExAC 0.00004; ESP Exome Variant Server 0.00015; TOPMed 0.00015; gnomAD 0.00017.
gnomAD v4.1: 39 of 1,609,082 alleles (0.0024%); highest among the groups gnomAD compares: African/African-American, 0.047%; no homozygotes.

Submissions (2):

Labcorp Genetics (formerly Invitae), Labcorp
Classification: Uncertain significance. Last evaluated: 2024-08-13. Review status: criteria provided, single submitter. Criteria: Invitae Variant Classification Sherloc (09022015). Collection method: clinical testing. Allele origin: germline.
Comment: This sequence change affects codon 920 of the BUB1 mRNA. It is a 'silent' change, meaning that it does not change the encoded amino acid sequence of the BUB1 protein. This variant is present in population databases (rs140025456, gnomAD 0.06%), and has an allele count higher than expected for a pathogenic variant. This variant has not been reported in the literature in individuals affected with BUB1-related conditions. ClinVar contains an entry for this variant (Variation ID: 1795681). In summary, the available evidence is currently insufficient to determine the role of this variant in disease. Therefore, it has been classified as a Variant of Uncertain Significance.

Ambry Genetics
Classification: Likely benign. Last evaluated: 2022-02-27. Review status: criteria provided, single submitter. Criteria: Ambry Variant Classification Scheme 2023. Collection method: clinical testing. Allele origin: germline.